The following is an entry in ClinVar:

ClinVar aggregate classification (germline): Uncertain significance. Review status: criteria provided, multiple submitters, no conflicts (2 of 4 stars). 2 submissions from 2 submitters: Uncertain significance (2). Last evaluated 2023-02-10.

Conditions:
Inborn genetic diseases. Identifiers: MedGen C0950123, MeSH D030342.

Allele frequency attached by ClinVar (database versions not stated): gnomAD exomes 0.00002 and 0.00006; TOPMed 0.00003; ExAC 0.00004; gnomAD 0.00004.
gnomAD v4.1: 28 of 1,613,964 alleles (0.0017%); highest among the groups gnomAD compares: Admixed American, 0.015%; no homozygotes.

Submissions (2):

Ambry Genetics
Classification: Uncertain significance for Inborn genetic diseases. Last evaluated: 2023-02-10. Review status: criteria provided, single submitter. Criteria: Ambry Variant Classification Scheme 2023. Collection method: clinical testing. Allele origin: germline.

Labcorp Genetics (formerly Invitae), Labcorp
Classification: Uncertain significance. Last evaluated: 2023-01-01. Review status: criteria provided, single submitter. Criteria: Invitae Variant Classification Sherloc (09022015). Collection method: clinical testing. Allele origin: germline.
Comment: This sequence change replaces valine, which is neutral and non-polar, with isoleucine, which is neutral and non-polar, at codon 1470 of the DIP2C protein (p.Val1470Ile). In summary, the available evidence is currently insufficient to determine the role of this variant in disease. Therefore, it has been classified as a Variant of Uncertain Significance. Algorithms developed to predict the effect of missense changes on protein structure and function (SIFT, PolyPhen-2, Align-GVGD) all suggest that this variant is likely to be tolerated. ClinVar contains an entry for this variant (Variation ID: 1411039). This variant has not been reported in the literature in individuals affected with DIP2C-related conditions. This variant is present in population databases (rs781358014, gnomAD 0.02%).

NM_014974.3(DIP2C):c.4408G>A (p.Val1470Ile)

Gene: DIP2C (DIP2 acetate--CoA ligase C (putative); minus strand). Cytogenetic location: 10p15.3.
Variant type: single nucleotide variant.
Coding change: c.4408G>A on transcript NM_014974.3 (MANE Select); coding-DNA position 4408, G replaced by A.
Protein change: p.Val1470Ile; replaces valine 1470 with isoleucine.
Molecular consequence: missense variant.
Genome position (GRCh38, 1-based): chr10:281,210, C>T on the plus strand (G>A on the coding strand, the complement: DIP2C is on the minus strand). VCF-style: chr10-281210-C-T. GRCh37 (hg19) VCF-style: chr10-327150-C-T.
Other names: c.4408G>A (NM_014974.2); short protein forms V1470I.
Identifiers: ClinVar variation 1411039 (VCV001411039.9), dbSNP rs781358014, ClinGen allele CA5379429.